The following is an entry in ClinVar:

NM_001003800.2(BICD2):c.881A>T (p.Asn294Ile)

Gene: BICD2 (BICD cargo adaptor 2; minus strand). Cytogenetic location: 9q22.31.
Variant type: single nucleotide variant.
Coding change: c.881A>T on transcript NM_001003800.2 (MANE Select); coding-DNA position 881, A replaced by T.
Protein change: p.Asn294Ile; replaces asparagine 294 with isoleucine.
Molecular consequence: missense variant.
Genome position (GRCh38, 1-based): chr9:92,720,481, T>A on the plus strand (A>T on the coding strand, the complement: BICD2 is on the minus strand). VCF-style: chr9-92720481-T-A. GRCh37 (hg19) VCF-style: chr9-95482763-T-A.
Other names: c.881A>T, p.Asn294Ile (NM_015250.4); c.881A>T (NM_001003800.1); short protein forms N294I.
Identifiers: ClinVar variation 1981456 (VCV001981456.5), dbSNP rs2490451718, ClinGen allele CA374043134.

ClinVar aggregate classification (germline): Uncertain significance. Review status: criteria provided, multiple submitters, no conflicts (2 of 4 stars). 2 submissions from 2 submitters: Uncertain significance (2). Last evaluated 2026-04-02.

Conditions:
Autosomal dominant childhood-onset proximal spinal muscular atrophy with contractures (SMALED2A). Also called: Spinal muscular atrophy, lower extremity-predominant, 2A, autosomal dominant; SPINAL MUSCULAR ATROPHY, LOWER EXTREMITY-PREDOMINANT, 2A, CHILDHOOD ONSET, AUTOSOMAL DOMINANT. Identifiers: Orphanet 363447, Orphanet 363454, MedGen C4747715, MONDO:0014121, OMIM 615290.

Allele frequency attached by ClinVar (database versions not stated): gnomAD exomes 0.00001.
gnomAD v4.1: 12 of 1,614,160 alleles (0.00074%); highest among the groups gnomAD compares: Non-Finnish European, 0.001%; no homozygotes.

Submissions (2):

GeneDx
Classification: Uncertain significance. Last evaluated: 2026-04-02. Review status: criteria provided, single submitter. Criteria: GeneDx Variant Classification Process June 2021. Collection method: clinical testing. Allele origin: germline.
Comment: Not observed at significant frequency in large population cohorts (gnomAD); In silico analysis supports that this missense variant has a deleterious effect on protein structure/function; Has not been previously published as pathogenic or benign to our knowledge

Labcorp Genetics (formerly Invitae), Labcorp
Classification: Uncertain significance for Autosomal dominant childhood-onset proximal spinal muscular atrophy with contractures. Last evaluated: 2022-10-01. Review status: criteria provided, single submitter. Criteria: Invitae Variant Classification Sherloc (09022015). Collection method: clinical testing. Allele origin: germline.
Comment: In summary, the available evidence is currently insufficient to determine the role of this variant in disease. Therefore, it has been classified as a Variant of Uncertain Significance. Advanced modeling of protein sequence and biophysical properties (such as structural, functional, and spatial information, amino acid conservation, physicochemical variation, residue mobility, and thermodynamic stability) performed at Invitae indicates that this missense variant is not expected to disrupt BICD2 protein function. This variant has not been reported in the literature in individuals affected with BICD2-related conditions. This variant is not present in population databases (gnomAD no frequency). This sequence change replaces asparagine, which is neutral and polar, with isoleucine, which is neutral and non-polar, at codon 294 of the BICD2 protein (p.Asn294Ile).